The following is an entry in ClinVar:

ClinVar aggregate classification (germline): Likely benign. Review status: criteria provided, multiple submitters, no conflicts (2 of 4 stars). 3 submissions from 3 submitters: Likely benign (3). Last evaluated 2026-01-28.

Allele frequency attached by ClinVar (database versions not stated): gnomAD 0.00022 and 0.00023; ExAC 0.00027; ESP Exome Variant Server 0.00031.
gnomAD v4.1: 444 of 1,614,082 alleles (0.028%); highest among the groups gnomAD compares: Non-Finnish European, 0.031%; 1 homozygote.

Submissions (3):

Labcorp Genetics (formerly Invitae), Labcorp
Classification: Likely benign. Last evaluated: 2026-01-28. Review status: criteria provided, single submitter. Criteria: Invitae Variant Classification Sherloc (09022015). Collection method: clinical testing. Allele origin: germline.

Blueprint Genetics
Classification: Likely benign. Last evaluated: 2024-11-22. Review status: criteria provided, single submitter. Criteria: ACMG Guidelines, 2015. Collection method: clinical testing. Allele origin: germline.

CeGaT Center for Human Genetics Tuebingen
Classification: Likely benign. Last evaluated: 2024-05-01. Review status: criteria provided, single submitter. Criteria: CeGaT Center For Human Genetics Tuebingen Variant Classification Criteria Version 2. Collection method: clinical testing. Allele origin: germline. Affected: yes. Observed: 1 variant allele.
Comment: DMXL2: BP4, BS2

NM_001378457.1(DMXL2):c.9096C>T (p.Ser3032=)

Gene: DMXL2 (Dmx like 2; minus strand). Cytogenetic location: 15q21.2.
Variant type: single nucleotide variant.
Coding change: c.9096C>T on transcript NM_001378457.1 (MANE Select); coding-DNA position 9096, C replaced by T.
Protein change: p.Ser3032=; no amino-acid change (serine 3032 retained).
Molecular consequence: synonymous variant. On other transcripts: non-coding transcript variant (2).
Genome position (GRCh38, 1-based): chr15:51,449,065, G>A on the plus strand (C>T on the coding strand, the complement: DMXL2 is on the minus strand). VCF-style: chr15-51449065-G-A. GRCh37 (hg19) VCF-style: chr15-51741262-G-A.
Other names: c.9033C>T, p.Ser3011= (NM_001174116.3); c.7122C>T, p.Ser2374= (NM_001174117.3); c.9093C>T, p.Ser3031= (NM_001378458.1); c.8808C>T, p.Ser2936= (NM_001378459.1); c.7011C>T, p.Ser2337= (NM_001378460.1); c.9030C>T, p.Ser3010= (NM_015263.5).
Identifiers: ClinVar variation 743399 (VCV000743399.28), dbSNP rs150017189, ClinGen allele CA7560826.
Genomic context (GRCh38, chr15:51,449,065, plus strand): 5'-GTTAGGGATGTTAAAAGCATTGGGCAAAACCCTGGTTTTCAGCGTGCCATCTGCACCACA[G>A]GAGAAGAGCCGATTGCCCTGGATGATGTCAATCTGCATGACTCCAGCCCCAATGTTTCGA-3'
Protein context (NP_001365386.1, residues 3022-3042): IDIIQGNRLF[Ser3032=]CGADGTLKTR